The following is an entry in ClinVar:

NM_001393769.1(MED12L):c.2743T>C (p.Cys915Arg)

Genes: MED12L (mediator complex subunit 12L; plus strand), P2RY12 (purinergic receptor P2Y12; minus strand). Cytogenetic location: 3q25.1.
Variant type: single nucleotide variant.
Coding change: c.2743T>C on transcript NM_001393769.1 (MANE Select); coding-DNA position 2743, T replaced by C.
Protein change: p.Cys915Arg; replaces cysteine 915 with arginine.
Molecular consequence: missense variant. On other transcripts: intron variant (1).
Genome position (GRCh38, 1-based): chr3:151,357,294, T>C. VCF-style: chr3-151357294-T-C. GRCh37 (hg19) VCF-style: chr3-151075082-T-C.
Other names: c.2638T>C, p.Cys880Arg (NM_053002.6); c.-179-16534A>G (NM_022788.5); short protein forms C880R, C915R.
Identifiers: ClinVar variation 5020199 (VCV005020199.1).

ClinVar aggregate classification (germline): Uncertain significance (1 of 4 stars; one submission).

gnomAD v4.1: 1 of 1,613,796 alleles (0.000062%); highest among the groups gnomAD compares: Admixed American, 0.0017%; no homozygotes.

Submission:

Dasa
Classification: Uncertain significance. Last evaluated: 2026-07-13. Review status: criteria provided, single submitter. Criteria: DASA Assertion Criteria. Collection method: clinical testing. Allele origin: germline.
Comment: NM_001393769.1(MED12L):c.2743T>C (p.Cys915Arg) is a missense variant that results in the substitution of cysteine with arginine. This variant is rare in population databases. Computational prediction algorithms are consistent with a deleterious effect. The currently available literature and clinical evidence are not sufficient to establish a definitive association between this variant and the reported condition. Therefore, this variant is classified as a variant of uncertain significance.